The following is an entry in ClinVar:

NM_000143.4(FH):c.314A>G (p.Glu105Gly)

Gene: FH (fumarate hydratase; minus strand). Cytogenetic location: 1q43.
Variant type: single nucleotide variant.
Coding change: c.314A>G on transcript NM_000143.4 (MANE Select); coding-DNA position 314, A replaced by G.
Protein change: p.Glu105Gly; replaces glutamic acid 105 with glycine.
Molecular consequence: missense variant.
Genome position (GRCh38, 1-based): chr1:241,513,667, T>C on the plus strand (A>G on the coding strand, the complement: FH is on the minus strand). VCF-style: chr1-241513667-T-C. GRCh37 (hg19) VCF-style: chr1-241676967-T-C.
Other names: short protein forms E105G.
Identifiers: ClinVar variation 4642203 (VCV004642203.1).

ClinVar aggregate classification (germline): Uncertain significance (1 of 4 stars; one submission).

Conditions:
Hereditary cancer-predisposing syndrome. Also called: Neoplastic Syndromes, Hereditary; Tumor predisposition; Hereditary Cancer Syndrome; Hereditary neoplastic syndrome. Identifiers: Orphanet 140162, MedGen C0027672, MeSH D009386, MONDO:0015356.

Submission:

Ambry Genetics
Classification: Uncertain significance for Hereditary cancer-predisposing syndrome. Last evaluated: 2025-11-17. Review status: criteria provided, single submitter. Criteria: Ambry Variant Classification Scheme 2023. Collection method: clinical testing. Allele origin: germline.
Comment: The p.E105G variant (also known as c.314A>G), located in coding exon 3 of the FH gene, results from an A to G substitution at nucleotide position 314. The glutamic acid at codon 105 is replaced by glycine, an amino acid with similar properties. This amino acid position is conserved. In addition, this alteration is predicted to be deleterious by in silico analysis. Based on the available evidence, the clinical significance of this variant remains unclear.